The following is an entry in ClinVar:

ClinVar aggregate classification (germline): Conflicting classifications of pathogenicity. Review status: criteria provided, conflicting classifications (1 of 4 stars). 2 submissions from 2 submitters: Uncertain significance (1); Likely benign (1). Last evaluated 2018-01-12.

Conditions:
Hereditary diffuse gastric adenocarcinoma (HDGC). Also called: DIFFUSE GASTRIC AND LOBULAR BREAST CANCER SYNDROME. Identifiers: Orphanet 26106, MedGen C1708349, MONDO:0007648, OMIM 137215.

Allele frequency attached by ClinVar (database versions not stated): gnomAD exomes 0.00003; gnomAD 0.00004; TOPMed 0.00004.
gnomAD v4.1: 31 of 1,521,164 alleles (0.002%); highest among the groups gnomAD compares: South Asian, 0.006%; no homozygotes.

Submissions (2):

Illumina Laboratory Services, Illumina
Classification: Uncertain significance for Hereditary diffuse gastric adenocarcinoma. Last evaluated: 2018-01-12. Review status: criteria provided, single submitter. Criteria: ICSL Variant Classification Criteria 13 December 2019. Collection method: clinical testing. Allele origin: germline.

GeneDx
Classification: Likely benign. Last evaluated: 2017-07-14. Review status: criteria provided, single submitter. Criteria: GeneDx Variant Classification (06012015). Collection method: clinical testing. Allele origin: germline. Affected: yes.
Comment: This variant is considered likely benign or benign based on one or more of the following criteria: it is a conservative change, it occurs at a poorly conserved position in the protein, it is predicted to be benign by multiple in silico algorithms, and/or has population frequency not consistent with disease.

NM_004360.5(CDH1):c.-41C>A

Genes: CDH1 (cadherin 1; plus strand), LOC130059290 (ATAC-STARR-seq lymphoblastoid silent region 7650; plus strand). Cytogenetic location: 16q22.1.
Variant type: single nucleotide variant.
Coding change: c.-41C>A on transcript NM_004360.5 (MANE Select); 41 bases upstream of the start codon, C replaced by A.
Molecular consequence: 5 prime UTR variant.
Genome position (GRCh38, 1-based): chr16:68,737,375, C>A. VCF-style: chr16-68737375-C-A. GRCh37 (hg19) VCF-style: chr16-68771278-C-A.
Other names: c.-41C>A (LRG_301t1, NM_001317184.2); c.-1656C>A (NM_001317185.2); c.-1860C>A (NM_001317186.2).
Identifiers: ClinVar variation 182387 (VCV000182387.5), dbSNP rs730881658, ClinGen allele CA298960.